The following is an entry in ClinVar:

NM_033305.3(VPS13A):c.3817C>T (p.Arg1273Ter)

Gene: VPS13A (vacuolar protein sorting 13 homolog A; plus strand). Cytogenetic location: 9q21.2.
Variant type: single nucleotide variant.
Coding change: c.3817C>T on transcript NM_033305.3 (MANE Select); coding-DNA position 3817, C replaced by T.
Protein change: p.Arg1273Ter; replaces arginine 1273 with a stop codon.
Molecular consequence: nonsense.
Genome position (GRCh38, 1-based): chr9:77,302,919, C>T. VCF-style: chr9-77302919-C-T. GRCh37 (hg19) VCF-style: chr9-79917835-C-T.
Other names: c.3700C>T, p.Arg1234Ter (NM_001018037.2); c.3817C>T, p.Arg1273Ter (NM_001018038.3, NM_015186.4); short protein forms R1273*, R1234*.
Identifiers: ClinVar variation 967906 (VCV000967906.10), dbSNP rs756096368, ClinGen allele CA5092353.

ClinVar aggregate classification (germline): Pathogenic. Review status: criteria provided, multiple submitters, no conflicts (2 of 4 stars). 3 submissions from 3 submitters: Pathogenic (3). Last evaluated 2025-12-15.

Conditions:
VPS13A-related neurodegenerative disease. Also called: VPS13A Disease; ACANTHOCYTOSIS WITH NEUROLOGIC DISORDER; Choreoacanthocytosis; Chorea-acanthocytosis; Choreaacanthocytosis; LEVINE-CRITCHLEY SYNDROME. Identifiers: Orphanet 2388, MedGen C0393576, MONDO:0008695, OMIM 200150.

Allele frequency attached by ClinVar (database versions not stated): gnomAD exomes below 0.00001; TOPMed 0.00001; ExAC 0.00002.
gnomAD v4.1: 7 of 1,612,892 alleles (0.00043%); highest among the groups gnomAD compares: Non-Finnish European, 0.00051%; no homozygotes.

Submissions (3):

Natera, Inc.
Classification: Pathogenic for Choreaacanthocytosis. Last evaluated: 2025-12-15. Review status: criteria provided, single submitter. Criteria: Natera Variant Classification Schema (03/2026). Collection method: clinical testing. Allele origin: germline.
Comment: The c.3817C>T variant in VPS13A is a nonsense variant predicted to introduce a stop codon at amino acid 1273. This variant is expected to result in nonsense mediated decay, truncation, or a dysfunctional protein product. This variant is rare in the general population with a frequency below the threshold expected for the associated phenotype(s). This variant has been observed in one or more individuals affected with the associated recessive disease, as either homozygous or compound heterozygous with a second variant (PMID: 39324427). Given the available evidence, this variant is classified as Pathogenic.

Fulgent Genetics
Classification: Pathogenic for VPS13A-related neurodegenerative disease. Last evaluated: 2024-01-20. Review status: criteria provided, single submitter. Criteria: ACMG Guidelines, 2015. Collection method: clinical testing. Allele origin: germline.

Labcorp Genetics (formerly Invitae), Labcorp
Classification: Pathogenic. Last evaluated: 2023-10-03. Review status: criteria provided, single submitter. Criteria: Invitae Variant Classification Sherloc (09022015). Collection method: clinical testing. Allele origin: germline.
Comment: This sequence change creates a premature translational stop signal (p.Arg1273*) in the VPS13A gene. It is expected to result in an absent or disrupted protein product. Loss-of-function variants in VPS13A are known to be pathogenic (PMID: 12404112, 21598378). This variant is present in population databases (rs756096368, gnomAD 0.002%). This premature translational stop signal has been observed in individual(s) with chorea-acanthocytosis (PMID: 33652783). ClinVar contains an entry for this variant (Variation ID: 967906). For these reasons, this variant has been classified as Pathogenic.

Literature cited by the submitters: PubMed 39324427 (cited by Natera, Inc.); PubMed 12404112 (cited by Labcorp Genetics (formerly Invitae), Labcorp); PubMed 21598378 (cited by Labcorp Genetics (formerly Invitae), Labcorp); PubMed 33652783 (cited by Labcorp Genetics (formerly Invitae), Labcorp).